The following is an entry in ClinVar:

NM_006662.3(SRCAP):c.846G>C (p.Leu282=)

Gene: SRCAP (Snf2 related CREBBP activator protein; plus strand). Cytogenetic location: 16p11.2.
Variant type: single nucleotide variant.
Coding change: c.846G>C on transcript NM_006662.3 (MANE Select); coding-DNA position 846, G replaced by C.
Protein change: p.Leu282=; no amino-acid change (leucine 282 retained).
Molecular consequence: synonymous variant.
Genome position (GRCh38, 1-based): chr16:30,709,725, G>C. VCF-style: chr16-30709725-G-C. GRCh37 (hg19) VCF-style: chr16-30721046-G-C.
Identifiers: ClinVar variation 2646387 (VCV002646387.24), dbSNP rs1434846873, ClinGen allele CA494907804.

ClinVar aggregate classification (germline): Likely benign (1 of 4 stars; one submission).

Allele frequency attached by ClinVar (database versions not stated): TOPMed 0.00001.
gnomAD v4.1: 9 of 1,614,158 alleles (0.00056%); highest among the groups gnomAD compares: Non-Finnish European, 0.00076%; no homozygotes.

Submission:

CeGaT Center for Human Genetics Tuebingen
Classification: Likely benign. Last evaluated: 2022-10-01. Review status: criteria provided, single submitter. Criteria: CeGaT Center For Human Genetics Tuebingen Variant Classification Criteria Version 2. Collection method: clinical testing. Allele origin: germline. Affected: yes. Observed: 1 variant allele.
Comment: SRCAP: PM2:Supporting, BP4, BP7